The following is an entry in ClinVar:

ClinVar aggregate classification (germline): Conflicting classifications of pathogenicity. Review status: criteria provided, conflicting classifications (1 of 4 stars). 4 submissions from 4 submitters: Uncertain significance (3); Likely benign (1). Last evaluated 2026-02-01.

Conditions:
Familial hyperaldosteronism type III. Also called: Familial hyperaldosteronism type 3; FH III. Identifiers: Orphanet 251274, MedGen C3838758, MONDO:0013359, OMIM 613677.
Long QT syndrome 13 (LQT13). Identifiers: Orphanet 101016, Orphanet 768, MedGen C3150733, MONDO:0013279, OMIM 613485.
Long QT syndrome (LQTS). Identifiers: MedGen C0023976, MeSH D008133, MONDO:0002442. Disease mechanism: loss of function. Inheritance: Various modes of inheritance.

Allele frequency attached by ClinVar (database versions not stated): TOPMed below 0.00001; gnomAD 0.00001 and 0.00003; gnomAD exomes 0.00002 and 0.00003; ExAC 0.00004; 1000 Genomes Project 30x 0.00047; 1000 Genomes Project 0.00060.
gnomAD v4.1: 29 of 1,614,196 alleles (0.0018%); highest among the groups gnomAD compares: Admixed American, 0.017%; no homozygotes.

Submissions (4):

Labcorp Genetics (formerly Invitae), Labcorp
Classification: Uncertain significance for Long QT syndrome. Last evaluated: 2026-02-01. Review status: criteria provided, single submitter. Criteria: Invitae Variant Classification Sherloc (09022015). Collection method: clinical testing. Allele origin: germline.
Comment: This sequence change replaces threonine, which is neutral and polar, with methionine, which is neutral and non-polar, at codon 40 of the KCNJ5 protein (p.Thr40Met). This variant is present in population databases (rs185412918, gnomAD 0.01%). This variant has not been reported in the literature in individuals affected with KCNJ5-related conditions. ClinVar contains an entry for this variant (Variation ID: 1010966). Invitae Evidence Modeling of protein sequence and biophysical properties (such as structural, functional, and spatial information, amino acid conservation, physicochemical variation, residue mobility, and thermodynamic stability) indicates that this missense variant is not expected to disrupt KCNJ5 protein function with a negative predictive value of 95%. In summary, the available evidence is currently insufficient to determine the role of this variant in disease. Therefore, it has been classified as a Variant of Uncertain Significance.

Laboratory of Genetics, Children's Clinical University Hospital Latvia
Classification: Likely benign. Last evaluated: 2025-02-16. Review status: criteria provided, single submitter. Criteria: ACMG Guidelines, 2015. Collection method: clinical testing. Allele origin: germline. Affected: yes.

Blueprint Genetics
Classification: Uncertain significance. Last evaluated: 2022-08-30. Review status: criteria provided, single submitter. Criteria: ACMG Guidelines, 2015. Collection method: clinical testing. Allele origin: germline.

Fulgent Genetics
Classification: Uncertain significance for Long QT syndrome 13; Familial hyperaldosteronism type III. Last evaluated: 2021-08-01. Review status: criteria provided, single submitter. Criteria: ACMG Guidelines, 2015. Collection method: clinical testing. Allele origin: unknown.

NM_000890.5(KCNJ5):c.119C>T (p.Thr40Met)

Gene: KCNJ5 (potassium inwardly rectifying channel subfamily J member 5; plus strand). Cytogenetic location: 11q24.3.
Variant type: single nucleotide variant.
Coding change: c.119C>T on transcript NM_000890.5 (MANE Select); coding-DNA position 119, C replaced by T.
Protein change: p.Thr40Met; replaces threonine 40 with methionine.
Molecular consequence: missense variant.
Genome position (GRCh38, 1-based): chr11:128,911,392, C>T. VCF-style: chr11-128911392-C-T. GRCh37 (hg19) VCF-style: chr11-128781287-C-T.
Other names: c.119C>T, p.Thr40Met (NM_001354169.2); short protein forms T40M.
Identifiers: ClinVar variation 1010966 (VCV001010966.12), dbSNP rs185412918, ClinGen allele CA6357823.
Genomic context (GRCh38, chr11:128,911,392, plus strand): 5'-GGGACCCCAAGAAGATTCCAAAACAGGCCCGCGATTATGTCCCCATTGCCACAGACCGTA[C>T]GCGCCTGCTGGCCGAGGGCAAGAAGCCACGCCAGCGCTACATGGAGAAGAGTGGCAAGTG-3'
Protein context (NP_000881.3, residues 30-50): RDYVPIATDR[Thr40Met]RLLAEGKKPR